The following is an entry in ClinVar:

NM_201384.3(PLEC):c.12208G>A (p.Gly4070Ser)

Gene: PLEC (plectin; minus strand). Cytogenetic location: 8q24.3.
Variant type: single nucleotide variant.
Coding change: c.12208G>A on transcript NM_201384.3 (MANE Select); coding-DNA position 12208, G replaced by A.
Protein change: p.Gly4070Ser; replaces glycine 4070 with serine.
Molecular consequence: missense variant.
Genome position (GRCh38, 1-based): chr8:143,917,613, C>T on the plus strand (G>A on the coding strand, the complement: PLEC is on the minus strand). VCF-style: chr8-143917613-C-T. GRCh37 (hg19) VCF-style: chr8-144991781-C-T.
Other names: c.12289G>A, p.Gly4097Ser (NM_000445.5); c.12166G>A, p.Gly4056Ser (NM_201378.4); c.12142G>A, p.Gly4048Ser (NM_201379.3); c.12619G>A, p.Gly4207Ser (NM_201380.4); c.12112G>A, p.Gly4038Ser (NM_201381.3); c.12208G>A, p.Gly4070Ser (NM_201382.4); c.12220G>A, p.Gly4074Ser (NM_201383.3); short protein forms G4070S, G4074S, G4097S, G4048S, G4056S, G4207S, G4038S.
Identifiers: ClinVar variation 538926 (VCV000538926.17), dbSNP rs201751379, ClinGen allele CA4924151.

ClinVar aggregate classification (germline): Conflicting classifications of pathogenicity. Review status: criteria provided, conflicting classifications (1 of 4 stars). 4 submissions from 4 submitters: Uncertain significance (3); Likely benign (1). Last evaluated 2026-01-06.

Conditions:
PLEC-related disorder. Also called: PLEC-related disorders; PLEC-related condition.
Epidermolysis bullosa simplex, Ogna type (EBS5A). Also called: Pidermolysis bullosa simplex 5A, Ogna type; EPIDERMOLYSIS BULLOSA SIMPLEX 5A, OGNA TYPE. Identifiers: Orphanet 79401, MedGen C0432317, MONDO:0007555, OMIM 131950.
Epidermolysis bullosa simplex 5B, with muscular dystrophy (EBS5B). Also called: Epidermolysis bullosa simplex with muscular dystrophy; EPIDERMOLYSIS BULLOSA SIMPLEX AND LIMB-GIRDLE MUSCULAR DYSTROPHY. Identifiers: Orphanet 257, MedGen C2931072, MONDO:0009181, OMIM 226670.
Epidermolysis bullosa simplex with nail dystrophy (EBS5D). Identifiers: MedGen C4225309, MONDO:0014661, OMIM 616487.
Autosomal recessive limb-girdle muscular dystrophy type 2Q (LGMDR17). Also called: MUSCULAR DYSTROPHY, LIMB-GIRDLE, AUTOSOMAL RECESSIVE 17. Identifiers: Orphanet 254361, MedGen C3150989, MONDO:0013390, OMIM 613723.
Epidermolysis bullosa simplex 5C, with pyloric atresia (EBS5C). Also called: PLEC-Related Epidermolysis Bullosa with Pyloric Atresia; Epidermolysis bullosa simplex with pyloric atresia; PLEC1-Related Epidermolysis Bullosa with Pyloric Atresia. Identifiers: Orphanet 158684, MedGen C2677349, MONDO:0012807, OMIM 612138.

Allele frequency attached by ClinVar (database versions not stated): gnomAD 0.00009; TOPMed 0.00009; ExAC 0.00012; gnomAD exomes 0.00015 and 0.00016; ESP Exome Variant Server 0.00024.
gnomAD v4.1: 232 of 1,613,620 alleles (0.014%); highest among the groups gnomAD compares: Non-Finnish European, 0.014%; no homozygotes.

Submissions (4):

Labcorp Genetics (formerly Invitae), Labcorp
Classification: Uncertain significance for Autosomal recessive limb-girdle muscular dystrophy type 2Q; Epidermolysis bullosa simplex, Ogna type; Epidermolysis bullosa simplex with nail dystrophy; Epidermolysis bullosa simplex 5C, with pyloric atresia; Epidermolysis bullosa simplex 5B, with muscular dystrophy. Last evaluated: 2026-01-06. Review status: criteria provided, single submitter. Criteria: Invitae Variant Classification Sherloc (09022015). Collection method: clinical testing. Allele origin: germline.
Comment: This sequence change replaces glycine, which is neutral and non-polar, with serine, which is neutral and polar, at codon 4097 of the PLEC protein (p.Gly4097Ser). This variant is present in population databases (rs201751379, gnomAD 0.2%). This variant has not been reported in the literature in individuals affected with PLEC-related conditions. ClinVar contains an entry for this variant (Variation ID: 538926). Invitae Evidence Modeling of protein sequence and biophysical properties (such as structural, functional, and spatial information, amino acid conservation, physicochemical variation, residue mobility, and thermodynamic stability) indicates that this missense variant is not expected to disrupt PLEC protein function with a negative predictive value of 80%. In summary, the available evidence is currently insufficient to determine the role of this variant in disease. Therefore, it has been classified as a Variant of Uncertain Significance.

GeneDx
Classification: Uncertain significance. Last evaluated: 2024-12-12. Review status: criteria provided, single submitter. Criteria: GeneDx Variant Classification Process June 2021. Collection method: clinical testing. Allele origin: germline. Affected: yes.
Comment: In silico analysis supports that this missense variant has a deleterious effect on protein structure/function; Missense variant in a gene in which most reported pathogenic variants are truncating/loss of function; Has not been previously published as pathogenic or benign to our knowledge

PreventionGenetics, part of Exact Sciences
Classification: Likely benign for PLEC-related condition. Last evaluated: 2024-10-28. Review status: criteria provided, single submitter. Criteria: ACMG Guidelines, 2015. Collection method: clinical testing. Allele origin: germline.
Comment: This variant is classified as likely benign based on ACMG/AMP sequence variant interpretation guidelines (Richards et al. 2015 PMID: 25741868, with internal and published modifications).

Revvity Omics, Revvity
Classification: Uncertain significance. Last evaluated: 2021-09-23. Review status: criteria provided, single submitter. Criteria: ACMG Guidelines, 2015. Collection method: clinical testing. Allele origin: germline.